The following is an entry in ClinVar:

ClinVar aggregate classification (germline): Uncertain significance (1 of 4 stars; one submission).

Submission:

Labcorp Genetics (formerly Invitae), Labcorp
Classification: Uncertain significance. Last evaluated: 2022-03-18. Review status: criteria provided, single submitter. Criteria: Invitae Variant Classification Sherloc (09022015). Collection method: clinical testing. Allele origin: germline.
Comment: This sequence change creates a premature translational stop signal (p.Phe49Trpfs*18) in the LOXL3 gene. It is expected to result in an absent or disrupted protein product. However, the current clinical and genetic evidence is not sufficient to establish whether loss-of-function variants in LOXL3 cause disease. This variant is not present in population databases (gnomAD no frequency). This variant has not been reported in the literature in individuals affected with LOXL3-related conditions. Algorithms developed to predict the effect of sequence changes on RNA splicing suggest that this variant may create or strengthen a splice site. In summary, the available evidence is currently insufficient to determine the role of this variant in disease. Therefore, it has been classified as a Variant of Uncertain Significance.

NM_032603.5(LOXL3):c.142_145dup (p.Phe49fs)

Genes: DOK1 (docking protein 1; plus strand), LOXL3 (lysyl oxidase like 3; minus strand). Cytogenetic location: 2p13.1.
Variant type: Microsatellite.
Coding change: c.142_145dup on transcript NM_032603.5 (MANE Select); coding-DNA positions 142 to 145, 4 bases duplicated (GGCT; older notation c.142_145dupGGCT).
Protein change: p.Phe49fs; shifts the reading frame from phenylalanine 49.
Molecular consequence: frameshift variant. On other transcripts: intron variant (1).
Genome position (GRCh38, 1-based): chr2:74,552,490-74,552,493, AGCC duplicated on the plus strand (GGCT on the coding strand, the reverse complement: LOXL3 is on the minus strand); duplicating any 4 consecutive bases within chr2:74,552,490-74,552,501 gives the same sequence; the c. name uses the placement nearest the transcript's 3' end. VCF-style (leftmost placement, unchanged base first): chr2-74552489-A-AAGCC. GRCh37 (hg19) VCF-style: chr2-74779616-A-AAGCC.
Other names: c.142_145dup, p.Phe49fs (NM_001289164.3); c.-357-2664AGCC[4] (NM_001197260.2); short protein forms F49fs.
Identifiers: ClinVar variation 1911288 (VCV001911288.4), dbSNP rs2530040301, ClinGen allele CA2580611669.